The following is an entry in ClinVar:

NM_033028.5(BBS4):c.1140G>A (p.Val380=)

Gene: BBS4 (Bardet-Biedl syndrome 4; plus strand). Cytogenetic location: 15q24.1.
Variant type: single nucleotide variant.
Coding change: c.1140G>A on transcript NM_033028.5 (MANE Select); coding-DNA position 1140, G replaced by A.
Protein change: p.Val380=; no amino-acid change (valine 380 retained).
Molecular consequence: synonymous variant. On other transcripts: non-coding transcript variant (2).
Genome position (GRCh38, 1-based): chr15:72,735,858, G>A. VCF-style: chr15-72735858-G-A. GRCh37 (hg19) VCF-style: chr15-73028199-G-A.
Other names: c.624G>A, p.Val208= (NM_001252678.2); c.1071G>A, p.Val357= (NM_001320665.2).
Identifiers: ClinVar variation 417201 (VCV000417201.18), dbSNP rs141511580, ClinGen allele CA7646926.
Genomic context (GRCh38, chr15:72,735,858, plus strand): 5'-GCTCCATAGAATCTCTGTCTGCCACAGGTGTAACCCTTTAGTAAACCTGAACTATGCTGT[G>A]CTGCTGTACAACCAGGGCGAGAAGAAGAACGCCCTGGCCCAATATCAGGAGATGGAGAAG-3'
Protein context (NP_149017.2, residues 370-390): CNPLVNLNYA[Val380=]LLYNQGEKKN

ClinVar aggregate classification (germline): Conflicting classifications of pathogenicity. Review status: criteria provided, conflicting classifications (1 of 4 stars). 4 submissions from 4 submitters: Uncertain significance (1); Likely benign (2). 1 of the submissions does not count toward it. Last evaluated 2026-01-05.

Conditions:
Bardet-Biedl syndrome (BBS). Identifiers: Orphanet 110, MedGen C0752166, MONDO:0015229.
BBS4-related disorder. Also called: BBS4-related condition.

Allele frequency attached by ClinVar (database versions not stated): gnomAD exomes 0.00008 and 0.00002; ExAC 0.00010; 1000 Genomes Project 0.00020; ESP Exome Variant Server 0.00023; gnomAD 0.00034 and 0.00036; TOPMed 0.00040; 1000 Genomes Project 30x 0.00047.
gnomAD v4.1: 79 of 1,614,158 alleles (0.0049%); highest among the groups gnomAD compares: African/African-American, 0.11%; no homozygotes.

Submissions (4):

Labcorp Genetics (formerly Invitae), Labcorp
Classification: Likely benign for Bardet-Biedl syndrome. Last evaluated: 2026-01-05. Review status: criteria provided, single submitter. Criteria: Invitae Variant Classification Sherloc (09022015). Collection method: clinical testing. Allele origin: germline.

Blueprint Genetics
Classification: Likely benign. Last evaluated: 2022-06-30. Review status: criteria provided, single submitter. Criteria: ACMG Guidelines, 2015. Collection method: clinical testing. Allele origin: germline.

Eurofins Ntd Llc (ga)
Classification: Uncertain significance. Last evaluated: 2017-01-26. Review status: criteria provided, single submitter. Criteria: EGL Classification Definitions 2015. Collection method: clinical testing. Allele origin: germline. Observed: 1 variant allele, 1 heterozygote.

PreventionGenetics, part of Exact Sciences
Classification: Likely benign for BBS4-related condition. Last evaluated: 2019-05-16. Review status: no assertion criteria provided. Collection method: clinical testing. Allele origin: germline. Not counted in ClinVar's aggregate classification.
Comment: This variant is classified as likely benign based on ACMG/AMP sequence variant interpretation guidelines (Richards et al. 2015 PMID: 25741868, with internal and published modifications).